The following is an entry in ClinVar:

NM_130384.3(ATRIP):c.100G>T (p.Ala34Ser)

Genes: ATRIP (ATR interacting protein; plus strand), ATRIP-TREX1 (ATRIP-TREX1 readthrough; plus strand), LOC129936703 (ATAC-STARR-seq lymphoblastoid silent region 14331; plus strand). Cytogenetic location: 3p21.31.
Variant type: single nucleotide variant.
Coding change: c.100G>T on transcript NM_130384.3 (MANE Select); coding-DNA position 100, G replaced by T.
Protein change: p.Ala34Ser; replaces alanine 34 with serine.
Molecular consequence: missense variant. On other transcripts: non-coding transcript variant (1), intron variant (1).
Genome position (GRCh38, 1-based): chr3:48,446,945, G>T. VCF-style: chr3-48446945-G-T. GRCh37 (hg19) VCF-style: chr3-48488349-G-T.
Other names: c.100G>T, p.Ala34Ser (NM_032166.4); c.-218+146G>T (NM_001271022.2); short protein forms A34S.
Identifiers: ClinVar variation 3976484 (VCV003976484.1).

ClinVar aggregate classification (germline): Uncertain significance (1 of 4 stars; one submission).

gnomAD v4.1: 1 of 1,522,054 alleles (0.000066%); no homozygotes.

Submission:

Ambry Genetics
Classification: Uncertain significance. Last evaluated: 2025-05-08. Review status: criteria provided, single submitter. Criteria: Ambry Variant Classification Scheme 2023. Collection method: clinical testing. Allele origin: germline.
Comment: The p.A34S variant (also known as c.100G>T), located in coding exon 1 of the ATRIP gene, results from a G to T substitution at nucleotide position 100. The alanine at codon 34 is replaced by serine, an amino acid with similar properties. This amino acid position is conserved. In addition, this alteration is predicted to be tolerated by in silico analysis. Based on the available evidence, the clinical significance of this variant remains unclear.